The following is an entry in ClinVar:

ClinVar aggregate classification (germline): Uncertain significance. Review status: criteria provided, multiple submitters, no conflicts (2 of 4 stars). 2 submissions from 2 submitters: Uncertain significance (2). Last evaluated 2022-11-08.

Allele frequency attached by ClinVar (database versions not stated): gnomAD exomes 0.00001 and 0.00002; ExAC 0.00002; gnomAD 0.00003 and 0.00004; TOPMed 0.00003.
gnomAD v4.1: 39 of 1,613,118 alleles (0.0024%); highest among the groups gnomAD compares: Non-Finnish European, 0.003%; no homozygotes.

Submissions (2):

Ambry Genetics
Classification: Uncertain significance. Last evaluated: 2022-11-08. Review status: criteria provided, single submitter. Criteria: Ambry Variant Classification Scheme 2023. Collection method: clinical testing. Allele origin: germline.

Labcorp Genetics (formerly Invitae), Labcorp
Classification: Uncertain significance. Last evaluated: 2018-04-26. Review status: criteria provided, single submitter. Criteria: Invitae Variant Classification Sherloc (09022015). Collection method: clinical testing. Allele origin: germline.
Comment: In summary, the available evidence is currently insufficient to determine the role of this variant in disease. Therefore, it has been classified as a Variant of Uncertain Significance. Algorithms developed to predict the effect of missense changes on protein structure and function (SIFT, PolyPhen-2, Align-GVGD) all suggest that this variant is likely to be tolerated, but these predictions have not been confirmed by published functional studies and their clinical significance is uncertain. This variant has not been reported in the literature in individuals with PREX2-related disease. This variant is present in population databases (rs769058397, ExAC 0.003%). This sequence change replaces asparagine with lysine at codon 974 of the PREX2 protein (p.Asn974Lys). The asparagine residue is moderately conserved and there is a moderate physicochemical difference between asparagine and lysine.

NM_024870.4(PREX2):c.2922C>G (p.Asn974Lys)

Gene: PREX2 (phosphatidylinositol-3,4,5-trisphosphate dependent Rac exchange factor 2; plus strand). Cytogenetic location: 8q13.2.
Variant type: single nucleotide variant.
Coding change: c.2922C>G on transcript NM_024870.4 (MANE Select); coding-DNA position 2922, C replaced by G.
Protein change: p.Asn974Lys; replaces asparagine 974 with lysine.
Molecular consequence: missense variant.
Genome position (GRCh38, 1-based): chr8:68,108,315, C>G. VCF-style: chr8-68108315-C-G. GRCh37 (hg19) VCF-style: chr8-69020550-C-G.
Other names: c.2922C>G (NM_024870.2); short protein forms N974K.
Identifiers: ClinVar variation 1063308 (VCV001063308.10), dbSNP rs769058397, ClinGen allele CA4774276.
Genomic context (GRCh38, chr8:68,108,315, plus strand): 5'-GGGAAGTGCATTTGGTGTTCAGTTGGATAGCAGGAAGCATAATTCTCATGATAAAGAAAA[C>G]AAATCTTCGGAGCAAGGTATGCTAGCTTTTGCAACTTTATCAAATCATGAAAAGCAATTT-3'
Protein context (NP_079146.2, residues 964-984): SRKHNSHDKE[Asn974Lys]KSSEQGKLSP